The following is an entry in ClinVar:

ClinVar aggregate classification (germline): Uncertain significance (1 of 4 stars; one submission).

Conditions:
PLXNA2-related disorder. Also called: PLXNA2-related condition.

gnomAD v4.1: 2 of 1,614,090 alleles (0.00012%); highest among the groups gnomAD compares: Admixed American, 0.0017%; no homozygotes.

Submission:

PreventionGenetics, part of Exact Sciences
Classification: Uncertain significance for PLXNA2-related condition. Last evaluated: 2025-01-23. Review status: criteria provided, single submitter. Criteria: ACMG Guidelines, 2015. Collection method: clinical testing. Allele origin: germline.
Comment: The PLXNA2 c.2761G>A variant is predicted to result in the amino acid substitution p.Ala921Thr. To our knowledge, this variant has not been reported in the literature. This variant is reported in 0.0029% of alleles in individuals of Latino descent in gnomAD. At this time, the clinical significance of this variant is uncertain due to the absence of conclusive functional and genetic evidence.

NM_025179.4(PLXNA2):c.2761G>A (p.Ala921Thr)

Gene: PLXNA2 (plexin A2; minus strand). Cytogenetic location: 1q32.2.
Variant type: single nucleotide variant.
Coding change: c.2761G>A on transcript NM_025179.4 (MANE Select); coding-DNA position 2761, G replaced by A.
Protein change: p.Ala921Thr; replaces alanine 921 with threonine.
Molecular consequence: missense variant.
Genome position (GRCh38, 1-based): chr1:208,054,516, C>T on the plus strand (G>A on the coding strand, the complement: PLXNA2 is on the minus strand). VCF-style: chr1-208054516-C-T. GRCh37 (hg19) VCF-style: chr1-208227861-C-T.
Other names: short protein forms A921T.
Identifiers: ClinVar variation 4981964 (VCV004981964.1).